The following is an entry in ClinVar:

ClinVar aggregate classification (germline): Conflicting classifications of pathogenicity. Review status: criteria provided, conflicting classifications (1 of 4 stars). 4 submissions from 4 submitters: Uncertain significance (3); Likely benign (1). Last evaluated 2025-11-24.

Conditions:
Malignant hyperthermia, susceptibility to, 5 (MHS5). Also called: CACNA1S-Related Malignant Hyperthermia Susceptibility. Identifiers: Orphanet 423, MedGen C1866077, MONDO:0011163, OMIM 601887.
Hypokalemic periodic paralysis, type 1. Also called: Hypokalemic Periodic Paralysis Type 1 (AD); HypoPP. Identifiers: Orphanet 681, MedGen C3714580, MONDO:0042979, OMIM 170400.
Thyrotoxic periodic paralysis, susceptibility to, 1 (TTPP1). Identifiers: Orphanet 79102, MedGen C2749982, MONDO:0008570, OMIM 188580.
Congenital myopathy 18. Also called: Myopathy, congenital, due to dihydropyridine receptor defect; DIHYDROPYRIDINE RECEPTOR CONGENITAL MYOPATHY; DHPR CONGENITAL MYOPATHY. Identifiers: MedGen C5830283, MONDO:0859514, OMIM 620246.

Allele frequency attached by ClinVar (database versions not stated): TOPMed 0.00003; gnomAD 0.00005 and 0.00006; gnomAD exomes 0.00005; ExAC 0.00007; ESP Exome Variant Server 0.00008.
gnomAD v4.1: 55 of 1,614,012 alleles (0.0034%); highest among the groups gnomAD compares: African/African-American, 0.013%; no homozygotes.

Submissions (4):

GeneDx
Classification: Uncertain significance. Last evaluated: 2025-11-24. Review status: criteria provided, single submitter. Criteria: GeneDx Variant Classification Process June 2021. Collection method: clinical testing. Allele origin: germline.
Comment: Reported previously in a patient with intraoperative awareness with recall and not seen in controls; however, no further clinical information was provided (PMID: 31335548); In silico analysis suggests that this missense variant does not alter protein structure/function; This variant is associated with the following publications: (PMID: 31335548)

Labcorp Genetics (formerly Invitae), Labcorp
Classification: Likely benign for Hypokalemic periodic paralysis, type 1; Malignant hyperthermia, susceptibility to, 5. Last evaluated: 2025-10-26. Review status: criteria provided, single submitter. Criteria: Invitae Variant Classification Sherloc (09022015). Collection method: clinical testing. Allele origin: germline.

Revvity Omics, Revvity
Classification: Uncertain significance. Last evaluated: 2025-06-25. Review status: criteria provided, single submitter. Criteria: ACMG Guidelines, 2015. Collection method: clinical testing. Allele origin: germline.

Fulgent Genetics
Classification: Uncertain significance for Hypokalemic periodic paralysis, type 1; Thyrotoxic periodic paralysis, susceptibility to, 1; Malignant hyperthermia, susceptibility to, 5; Congenital myopathy 18. Last evaluated: 2024-01-22. Review status: criteria provided, single submitter. Criteria: ACMG Guidelines, 2015. Collection method: clinical testing. Allele origin: germline.

NM_000069.3(CACNA1S):c.1819G>A (p.Val607Ile)

Gene: CACNA1S (calcium voltage-gated channel subunit alpha1 S; minus strand). Cytogenetic location: 1q32.1.
Variant type: single nucleotide variant.
Coding change: c.1819G>A on transcript NM_000069.3 (MANE Select); coding-DNA position 1819, G replaced by A.
Protein change: p.Val607Ile; replaces valine 607 with isoleucine.
Molecular consequence: missense variant.
Genome position (GRCh38, 1-based): chr1:201,076,928, C>T on the plus strand (G>A on the coding strand, the complement: CACNA1S is on the minus strand). VCF-style: chr1-201076928-C-T. GRCh37 (hg19) VCF-style: chr1-201046056-C-T.
Other names: c.1819G>A (NM_000069.2); short protein forms V607I.
Identifiers: ClinVar variation 1346181 (VCV001346181.10), dbSNP rs377461013, ClinGen allele CA078581.